The following is an entry in ClinVar:

ClinVar aggregate classification (germline): Conflicting classifications of pathogenicity. Review status: criteria provided, conflicting classifications (1 of 4 stars). 8 submissions from 7 submitters: Uncertain significance (5); Benign (1); Likely benign (2). Last evaluated 2026-01-22.

Conditions:
Inflammatory bowel disease 1 (IBD1). Also called: INFLAMMATORY BOWEL DISEASE (CROHN DISEASE) 1; Inflammatory bowel disease 1, Crohn disease. Identifiers: MedGen CN260071, MONDO:0009960, OMIM 266600.
Yao syndrome. Also called: Susceptibility to Yao syndrome. Identifiers: MedGen C4310620, MONDO:0015019, OMIM 617321.
Blau syndrome (BLAUS). Also called: GRANULOMATOSIS, FAMILIAL JUVENILE SYSTEMIC; GRANULOMATOSIS, FAMILIAL, BLAU TYPE; GRANULOMATOUS INFLAMMATORY ARTHRITIS, DERMATITIS, AND UVEITIS, FAMILIAL; JABS SYNDROME; ARTHROCUTANEOUVEAL GRANULOMATOSIS. Identifiers: Orphanet 90340, MedGen C5201146, MONDO:0008523, OMIM 186580.
Regional enteritis. Also called: Enteritis, Granulomatous. Identifiers: MedGen C0678202, MeSH D003424.

Allele frequency attached by ClinVar (database versions not stated): ESP Exome Variant Server 0.00015; TOPMed 0.00015; gnomAD 0.00017 and 0.00018; ExAC 0.00018; gnomAD exomes 0.00024.
gnomAD v4.1: 362 of 1,613,914 alleles (0.022%); highest among the groups gnomAD compares: Admixed American, 0.03%; 1 homozygote.

Submissions (8):

Labcorp Genetics (formerly Invitae), Labcorp
Classification: Likely benign for Regional enteritis; Blau syndrome. Last evaluated: 2026-01-22. Review status: criteria provided, single submitter. Criteria: Invitae Variant Classification Sherloc (09022015). Collection method: clinical testing. Allele origin: germline.

CeGaT Center for Human Genetics Tuebingen
Classification: Likely benign. Last evaluated: 2025-12-01. Review status: criteria provided, single submitter. Criteria: CeGaT Center For Human Genetics Tuebingen Variant Classification Criteria Version 2. Collection method: clinical testing. Allele origin: germline. Affected: yes. Observed: 2 variant alleles.
Comment: NOD2: BP4

Blueprint Genetics
Classification: Uncertain significance. Last evaluated: 2024-02-27. Review status: criteria provided, single submitter. Criteria: ACMG Guidelines, 2015. Collection method: clinical testing. Allele origin: germline.

Fulgent Genetics
Classification: Uncertain significance for Blau syndrome; Inflammatory bowel disease 1; Yao syndrome. Last evaluated: 2024-01-02. Review status: criteria provided, single submitter. Criteria: ACMG Guidelines, 2015. Collection method: clinical testing. Allele origin: germline.

ARUP Laboratories, Molecular Genetics and Genomics, ARUP Laboratories
Classification: Uncertain significance. Last evaluated: 2022-03-23. Review status: criteria provided, single submitter. Criteria: ARUP Molecular Germline Variant Investigation Process 2021. Collection method: clinical testing. Allele origin: germline.
Comment: The NOD2 c.140C>T; p.Ser47Leu variant (rs201586544), to our knowledge, is not reported in the literature in an individual with Blau syndrome, but has been reported in association with Crohn's disease (Chen 2018). The variant is described in the ClinVar database (Variation ID: 319424) and in the general population with an overall allele frequency of 0.02% (62/282550 alleles) in the Genome Aggregation Database. The amino acid at this position is moderately conserved and computational algorithms(PolyPhen-2, SIFT) predict this variant is tolerated. Due to limited information, the clinical significance of this variant is uncertain. REFERENCES Chen JS et al. Targeted Gene Sequencing in Children with Crohn's Disease and Their Parents: Implications for Missing Heritability. G3 (Bethesda). 2018 Aug 30;8(9):2881-2888.

GeneDx
Classification: Uncertain significance. Last evaluated: 2021-02-10. Review status: criteria provided, single submitter. Criteria: GeneDx Variant Classification Process June 2021. Collection method: clinical testing. Allele origin: germline. Affected: yes.
Comment: In a study of children with Crohn's disease, S47L reported with 0.24% allele frequency in cases and 0.12% allele frequency in controls (Chen et al., 2018); In silico analysis supports that this missense variant has a deleterious effect on protein structure/function; This variant is associated with the following publications: (PMID: 30166421)

Illumina Laboratory Services, Illumina
Classification: Uncertain significance for Inflammatory bowel disease 1. Last evaluated: 2018-01-13. Review status: criteria provided, single submitter. Criteria: ICSL Variant Classification Criteria 13 December 2019. Collection method: clinical testing. Allele origin: germline.

Illumina Laboratory Services, Illumina
Classification: Benign for Blau syndrome. Last evaluated: 2018-01-13. Review status: criteria provided, single submitter. Criteria: ICSL Variant Classification Criteria 13 December 2019. Collection method: clinical testing. Allele origin: germline.
Comment: This variant was observed in the ICSL laboratory as part of a predisposition screen in an ostensibly healthy population. It had not been previously curated by ICSL or reported in the Human Gene Mutation Database (HGMD: prior to June 1st, 2018), and was therefore a candidate for classification through an automated scoring system. Utilizing variant allele frequency, disease prevalence and penetrance estimates, and inheritance mode, an automated score was calculated to assess if this variant is too frequent to cause the disease. Based on the score and internal cut-off values, a variant classified as benign is not then subjected to further curation. The score for this variant resulted in a classification of benign for this disease.

NM_001370466.1(NOD2):c.59C>T (p.Ser20Leu)

Gene: NOD2 (nucleotide binding oligomerization domain containing 2; plus strand). Cytogenetic location: 16q12.1.
Variant type: single nucleotide variant.
Coding change: c.59C>T on transcript NM_001370466.1 (MANE Select); coding-DNA position 59, C replaced by T.
Protein change: p.Ser20Leu; replaces serine 20 with leucine.
Molecular consequence: missense variant. On other transcripts: non-coding transcript variant (1).
Genome position (GRCh38, 1-based): chr16:50,699,554, C>T. VCF-style: chr16-50699554-C-T. GRCh37 (hg19) VCF-style: chr16-50733465-C-T.
Other names: c.59C>T, p.Ser20Leu (NM_001293557.2); c.140C>T, p.Ser47Leu (NM_022162.3); c.140C>T (LRG_177t1); short protein forms S47L, S20L.
Identifiers: ClinVar variation 319424 (VCV000319424.34), dbSNP rs201586544, ClinGen allele CA8051207.
Genomic context (GRCh38, chr16:50,699,554, plus strand): 5'-AAATGTGCTCGCAGGAGGCTTTTCAGGCACAGAGGAGCCAGCTGGTCGAGCTGCTGGTCT[C>T]AGGGTCCCTGGAAGGCTTCGAGAGTGTCCTGGACTGGCTGCTGTCCTGGGAGGTCCTCTC-3'
Protein context (NP_001357395.1, residues 10-30): QRSQLVELLV[Ser20Leu]GSLEGFESVL